The following is an entry in ClinVar:

ClinVar aggregate classification (germline): Pathogenic. Review status: criteria provided, single submitter (1 of 4 stars). 2 submissions from 2 submitters: Pathogenic (1). 1 of the submissions does not count toward it. Last evaluated 2024-11-27.

Conditions:
Retinal dystrophy. Also called: Inherited retinal dystrophy. Identifiers: Orphanet 71862, MedGen C0854723, MeSH D058499, MONDO:0019118, HP:0000556.

gnomAD v4.1: 1 of 1,612,176 alleles (0.000062%); highest among the groups gnomAD compares: Admixed American, 0.0017%; no homozygotes.

Submissions (2):

Labcorp Genetics (formerly Invitae), Labcorp
Classification: Pathogenic. Last evaluated: 2024-11-27. Review status: criteria provided, single submitter. Criteria: Invitae Variant Classification Sherloc (09022015). Collection method: clinical testing. Allele origin: germline.
Comment: This sequence change affects a donor splice site in intron 8 of the MERTK gene. It is expected to disrupt RNA splicing. Variants that disrupt the donor or acceptor splice site typically lead to a loss of protein function (PMID: 16199547), and loss-of-function variants in MERTK are known to be pathogenic (PMID: 24265693, 29659094). This variant is not present in population databases (gnomAD no frequency). Disruption of this splice site has been observed in individuals with MERTK-related conditions (PMID: 25097241, 33090715). Algorithms developed to predict the effect of sequence changes on RNA splicing suggest that this variant may disrupt the consensus splice site. For these reasons, this variant has been classified as Pathogenic.

Institute of Human Genetics, Univ. Regensburg, Univ. Regensburg
Classification: Pathogenic for Retinal dystrophy. Last evaluated: 2022-01-01. Review status: no assertion criteria provided. Criteria: ACMG Guidelines, 2015. Collection method: clinical testing. Allele origin: germline. Affected: yes. Not counted in ClinVar's aggregate classification.

Literature cited by the submitters: PubMed 16199547 (cited by Labcorp Genetics (formerly Invitae), Labcorp); PubMed 24265693 (cited by Labcorp Genetics (formerly Invitae), Labcorp); PubMed 29659094 (cited by Labcorp Genetics (formerly Invitae), Labcorp); PubMed 25097241 (cited by Labcorp Genetics (formerly Invitae), Labcorp); PubMed 33090715 (cited by Labcorp Genetics (formerly Invitae), Labcorp).

NM_006343.3(MERTK):c.1296+2T>G

Gene: MERTK (MER proto-oncogene, tyrosine kinase; plus strand). Cytogenetic location: 2q13.
Variant type: single nucleotide variant.
Coding change: c.1296+2T>G on transcript NM_006343.3 (MANE Select); the canonical splice donor site of the intron after coding-DNA position 1296, T replaced by G.
Molecular consequence: splice donor variant.
Genome position (GRCh38, 1-based): chr2:111,982,995, T>G. VCF-style: chr2-111982995-T-G. GRCh37 (hg19) VCF-style: chr2-112740572-T-G.
Identifiers: ClinVar variation 3249074 (VCV003249074.3).
Genomic context (GRCh38, chr2:111,982,995, plus strand): 5'-AGGATGGAGAACTGGTGGGCTACCGGATATCCCACGTGTGGCAGAGTGCAGGGATTTCCG[T>G]AAGTCTAAACCCTAGAAGAGCACGATTAGTCATCTCCTTTCAACTTGCTGGTTTACTTCA-3'